The following is an entry in ClinVar:

ClinVar aggregate classification (germline): Uncertain significance. Review status: criteria provided, multiple submitters, no conflicts (2 of 4 stars). 2 submissions from 2 submitters: Uncertain significance (2). Last evaluated 2025-11-14.

Conditions:
Inborn genetic diseases. Identifiers: MedGen C0950123, MeSH D030342.

gnomAD v4.1: 20 of 1,614,174 alleles (0.0012%); highest among the groups gnomAD compares: South Asian, 0.0044%; no homozygotes.

Submissions (2):

Labcorp Genetics (formerly Invitae), Labcorp
Classification: Uncertain significance. Last evaluated: 2025-11-14. Review status: criteria provided, single submitter. Criteria: Invitae Variant Classification Sherloc (09022015). Collection method: clinical testing. Allele origin: germline.
Comment: This sequence change replaces arginine, which is basic and polar, with cysteine, which is neutral and slightly polar, at codon 428 of the ADAMTSL4 protein (p.Arg428Cys). This variant is present in population databases (no rsID available, gnomAD 0.003%). This variant has not been reported in the literature in individuals affected with ADAMTSL4-related conditions. ClinVar contains an entry for this variant (Variation ID: 2115230). Invitae Evidence Modeling of protein sequence and biophysical properties (such as structural, functional, and spatial information, amino acid conservation, physicochemical variation, residue mobility, and thermodynamic stability) has been performed for this missense variant. However, the output from this modeling did not meet the statistical confidence thresholds required to predict the impact of this variant on ADAMTSL4 protein function. In summary, the available evidence is currently insufficient to determine the role of this variant in disease. Therefore, it has been classified as a Variant of Uncertain Significance.

Ambry Genetics
Classification: Uncertain significance for Inborn genetic diseases. Last evaluated: 2024-05-15. Review status: criteria provided, single submitter. Criteria: Ambry Variant Classification Scheme 2023. Collection method: clinical testing. Allele origin: germline.

NM_019032.6(ADAMTSL4):c.1282C>T (p.Arg428Cys)

Genes: ADAMTSL4 (ADAMTS like 4; plus strand), ADAMTSL4-AS2 (ADAMTSL4 antisense RNA 2; minus strand). Cytogenetic location: 1q21.2.
Variant type: single nucleotide variant.
Coding change: c.1282C>T on transcript NM_019032.6 (MANE Select); coding-DNA position 1282, C replaced by T.
Protein change: p.Arg428Cys; replaces arginine 428 with cysteine.
Molecular consequence: missense variant.
Genome position (GRCh38, 1-based): chr1:150,555,476, C>T. VCF-style: chr1-150555476-C-T. GRCh37 (hg19) VCF-style: chr1-150527952-C-T.
Other names: c.1351C>T, p.Arg451Cys (NM_001288607.2, NM_001288608.2); c.1282C>T, p.Arg428Cys (NM_001378596.1, NM_025008.5); c.1282C>T (NM_019032.4); short protein forms R451C, R428C.
Identifiers: ClinVar variation 2115230 (VCV002115230.4), dbSNP rs747879178, ClinGen allele CA30068344.